The following is an entry in ClinVar:

NM_002335.4(LRP5):c.3826G>A (p.Gly1276Arg)

Gene: LRP5 (LDL receptor related protein 5; plus strand). Cytogenetic location: 11q13.2.
Variant type: single nucleotide variant.
Coding change: c.3826G>A on transcript NM_002335.4 (MANE Select); coding-DNA position 3826, G replaced by A.
Protein change: p.Gly1276Arg; replaces glycine 1276 with arginine.
Molecular consequence: missense variant.
Genome position (GRCh38, 1-based): chr11:68,433,664, G>A. VCF-style: chr11-68433664-G-A. GRCh37 (hg19) VCF-style: chr11-68201132-G-A.
Other names: c.2083G>A, p.Gly695Arg (NM_001291902.2); short protein forms G1276R, G695R.
Identifiers: ClinVar variation 1929806 (VCV001929806.5), dbSNP rs370744430, ClinGen allele CA6150123.

ClinVar aggregate classification (germline): Uncertain significance (1 of 4 stars; one submission).

Allele frequency attached by ClinVar (database versions not stated): TOPMed below 0.00001; ExAC 0.00001; gnomAD 0.00001; ESP Exome Variant Server 0.00008.
gnomAD v4.1: 17 of 1,613,244 alleles (0.0011%); highest among the groups gnomAD compares: African/African-American, 0.0027%; no homozygotes.

Submission:

Labcorp Genetics (formerly Invitae), Labcorp
Classification: Uncertain significance. Last evaluated: 2025-07-21. Review status: criteria provided, single submitter. Criteria: Invitae Variant Classification Sherloc (09022015). Collection method: clinical testing. Allele origin: germline.
Comment: This sequence change replaces glycine, which is neutral and non-polar, with arginine, which is basic and polar, at codon 1276 of the LRP5 protein (p.Gly1276Arg). This variant is present in population databases (rs370744430, gnomAD 0.004%). This variant has not been reported in the literature in individuals affected with LRP5-related conditions. ClinVar contains an entry for this variant (Variation ID: 1929806). Invitae Evidence Modeling of protein sequence and biophysical properties (such as structural, functional, and spatial information, amino acid conservation, physicochemical variation, residue mobility, and thermodynamic stability) indicates that this missense variant is not expected to disrupt LRP5 protein function with a negative predictive value of 95%. In summary, the available evidence is currently insufficient to determine the role of this variant in disease. Therefore, it has been classified as a Variant of Uncertain Significance.